The following is an entry in ClinVar:

NM_003978.5(PSTPIP1):c.212+5G>A

Gene: PSTPIP1 (proline-serine-threonine phosphatase interacting protein 1; plus strand). Cytogenetic location: 15q24.3.
Variant type: single nucleotide variant.
Coding change: c.212+5G>A on transcript NM_003978.5 (MANE Select); 5 bases into the intron after coding-DNA position 212, G replaced by A.
Molecular consequence: intron variant.
Genome position (GRCh38, 1-based): chr15:77,018,536, G>A. VCF-style: chr15-77018536-G-A. GRCh37 (hg19) VCF-style: chr15-77310877-G-A.
Other names: c.407+5G>A (NM_001321137.1); c.185+5G>A (NM_001321136.2); c.212+5G>A (NM_001321135.2, LRG_172t1).
Identifiers: ClinVar variation 466414 (VCV000466414.6), dbSNP rs1280331114, ClinGen allele CA619190411.

ClinVar aggregate classification (germline): Uncertain significance (1 of 4 stars; one submission).

Conditions:
Pyogenic arthritis-pyoderma gangrenosum-acne syndrome (PAPA). Also called: FAMILIAL RECURRENT ARTHRITIS; PAPA SYNDROME. Identifiers: Orphanet 69126, MedGen C1858361, MONDO:0011462, OMIM 604416.

Allele frequency attached by ClinVar (database versions not stated): gnomAD exomes below 0.00001; gnomAD 0.00001.
gnomAD v4.1: 4 of 1,555,118 alleles (0.00026%); highest among the groups gnomAD compares: Non-Finnish European, 0.00026%; no homozygotes.

Submission:

Labcorp Genetics (formerly Invitae), Labcorp
Classification: Uncertain significance for Pyogenic arthritis-pyoderma gangrenosum-acne syndrome. Last evaluated: 2017-07-07. Review status: criteria provided, single submitter. Criteria: Invitae Variant Classification Sherloc (09022015). Collection method: clinical testing. Allele origin: germline.
Comment: This sequence change falls in intron 3 of the PSTPIP1 gene. It does not directly change the encoded amino acid sequence of the PSTPIP1 protein, but it affects a nucleotide within the consensus splice site of the intron. This variant is not present in population databases (ExAC no frequency). This variant has not been reported in the literature in individuals with PSTPIP1-related disease. Nucleotide substitutions within the consensus splice site are relatively common causes of aberrant splicing (PMID: 17576681, 9536098). Algorithms developed to predict the effect of sequence changes on RNA splicing suggest that this variant may disrupt the consensus splice site, but this prediction has not been confirmed by published transcriptional studies. In summary, the available evidence is currently insufficient to determine the role of this variant in disease. Therefore, it has been classified as a Variant of Uncertain Significance.

Literature cited by the submitters: PubMed 17576681; PubMed 9536098.